The following is an entry in ClinVar:

NC_000016.10:g.88317551_88325754del

Gene: ZNF469 (zinc finger protein 469; plus strand). Cytogenetic location: 16q24.2.
Variant type: Deletion.
Genome position: GRCh38: chr16:88,317,551-88,325,754. GRCh37 (hg19): chr16:88,351,157-88,359,360.
Other names: NM_000135.2:c.2602-384_2981+1330del.
Identifiers: ClinVar variation 974146 (VCV000974146.2), ClinGen allele CA1139664852.

ClinVar aggregate classification (germline): Pathogenic (0 of 4 stars; one submission).

Conditions:
Fanconi anemia complementation group A (FANCA). Also called: Fanconi anemia, group A; FANCA-Related Fanconi Anemia. Identifiers: Orphanet 84, MedGen C3469521, MONDO:0009215, OMIM 227650.

Submission:

Leiden Open Variation Database
Classification: Pathogenic for Fanconi anemia complementation group A. Last evaluated: 2020-02-28. Review status: no assertion criteria provided. Collection method: curation. Allele origin: germline. Affected: yes.
Comment: Curator: Arleen D. Auerbach. Submitter to LOVD: Arleen D. Auerbach.

Literature cited by the submitters: PubMed 25168418.